The following is an entry in ClinVar:

ClinVar aggregate classification (germline): Likely benign. Review status: criteria provided, multiple submitters, no conflicts (2 of 4 stars). 5 submissions from 5 submitters: Likely benign (5). Last evaluated 2025-12-16.

Conditions:
Inborn genetic diseases. Identifiers: MedGen C0950123, MeSH D030342.
Wilson disease (WND). Also called: Wilson's disease. Identifiers: Orphanet 905, MedGen C0019202, MONDO:0010200, OMIM 277900. Disease mechanism: loss of function.

Allele frequency attached by ClinVar (database versions not stated): ExAC 0.00001; gnomAD exomes 0.00001.
gnomAD v4.1: 12 of 1,614,066 alleles (0.00074%); highest among the groups gnomAD compares: Admixed American, 0.005%; no homozygotes.

Submissions (5):

Labcorp Genetics (formerly Invitae), Labcorp
Classification: Likely benign for Wilson disease. Last evaluated: 2025-12-16. Review status: criteria provided, single submitter. Criteria: Invitae Variant Classification Sherloc (09022015). Collection method: clinical testing. Allele origin: germline.

Ambry Genetics
Classification: Likely benign for Inborn genetic diseases. Last evaluated: 2025-07-30. Review status: criteria provided, single submitter. Criteria: Ambry Variant Classification Scheme 2023. Collection method: clinical testing. Allele origin: germline.

All of Us Research Program, National Institutes of Health
Classification: Likely benign for Wilson disease. Last evaluated: 2023-11-02. Review status: criteria provided, single submitter. Criteria: ACMG Guidelines, 2015. Collection method: clinical testing. Allele origin: germline. Inheritance: Autosomal recessive inheritance. Observed: 3 variant alleles, 3 heterozygotes.
Comment: This study involves interpretation of variants in research participants for the purpose of population health screening. Participant phenotype was not available at the time of variant classification. Additional details can be found in publication PMID: 35346344, PMCID: PMC8962531

Color Diagnostics, LLC DBA Color Health
Classification: Likely benign for Wilson disease. Last evaluated: 2022-04-28. Review status: criteria provided, single submitter. Criteria: ACMG Guidelines, 2015. Collection method: clinical testing. Allele origin: germline.

Fulgent Genetics
Classification: Likely benign for Wilson disease. Last evaluated: 2021-10-21. Review status: criteria provided, single submitter. Criteria: ACMG Guidelines, 2015. Collection method: clinical testing. Allele origin: unknown.

NM_000053.4(ATP7B):c.2922G>A (p.Thr974=)

Gene: ATP7B (ATPase copper transporting beta; minus strand). Cytogenetic location: 13q14.3.
Variant type: single nucleotide variant.
Coding change: c.2922G>A on transcript NM_000053.4 (MANE Select); coding-DNA position 2922, G replaced by A.
Protein change: p.Thr974=; no amino-acid change (threonine 974 retained).
Molecular consequence: synonymous variant.
Genome position (GRCh38, 1-based): chr13:51,946,422, C>T on the plus strand (G>A on the coding strand, the complement: ATP7B is on the minus strand). VCF-style: chr13-51946422-C-T. GRCh37 (hg19) VCF-style: chr13-52520558-C-T.
Other names: c.2301G>A, p.Thr767= (NM_001005918.3); c.2589G>A, p.Thr863= (NM_001243182.2); c.2688G>A, p.Thr896= (NM_001330578.2); c.2670G>A, p.Thr890= (NM_001330579.2); c.2922G>A (NM_000053.3).
Identifiers: ClinVar variation 1077945 (VCV001077945.12), dbSNP rs751802421, ClinGen allele CA6988861.
Genomic context (GRCh38, chr13:51,946,422, plus strand): 5'-AGCCGTGGGCGTGGCCAGCCCCAGGGAGCAGGGGCAGGCAATGCACAGCACCGTGATGGA[C>T]GTCTGGAAAGCAAACCGGATGATCACCTCTGTCTGGGAGATGTGCTTGTTGGGGTTCTGA-3'
Protein context (NP_000044.2, residues 964-984): TEVIIRFAFQ[Thr974=]SITVLCIACP